The following is an entry in ClinVar:

NM_004820.5(CYP7B1):c.1371G>A (p.Met457Ile)

Gene: CYP7B1 (cytochrome P450 family 7 subfamily B member 1; minus strand). Cytogenetic location: 8q12.3.
Variant type: single nucleotide variant.
Coding change: c.1371G>A on transcript NM_004820.5 (MANE Select); coding-DNA position 1371, G replaced by A.
Protein change: p.Met457Ile; replaces methionine 457 with isoleucine.
Molecular consequence: missense variant. On other transcripts: intron variant (1).
Genome position (GRCh38, 1-based): chr8:64,596,792, C>T on the plus strand (G>A on the coding strand, the complement: CYP7B1 is on the minus strand). VCF-style: chr8-64596792-C-T. GRCh37 (hg19) VCF-style: chr8-65509349-C-T.
Other names: c.1371G>A (NM_004820.4); c.1234-6948G>A (NM_001324112.2); short protein forms M457I.
Identifiers: ClinVar variation 1364200 (VCV001364200.5), dbSNP rs771055759, ClinGen allele CA4763989.
Genomic context (GRCh38, chr8:64,596,792, plus strand): 5'-ATCATCAATTATTTCTAAATCAAAATAAGTTAAAAGTATAACCAACAATTGTTTTATTTC[C>T]ATAAGTGCAAAAAATCGGCCTGGACATTTGCTGGTTCCAGTTCCAAACGGCATTAGGTAA-3'
Protein context (NP_004811.1, residues 447-467): SKCPGRFFAL[Met457Ile]EIKQLLVILL

ClinVar aggregate classification (germline): Uncertain significance. Review status: criteria provided, multiple submitters, no conflicts (2 of 4 stars). 3 submissions from 3 submitters: Uncertain significance (3). Last evaluated 2025-06-17.

Conditions:
Spastic paraplegia. Identifiers: MedGen C0037772, HP:0001258.
CYP7B1-related disorder. Also called: CYP7B1-related condition.

Allele frequency attached by ClinVar (database versions not stated): ExAC 0.00001; gnomAD exomes 0.00002 and 0.00007; gnomAD 0.00020 and 0.00021; TOPMed 0.00020.
gnomAD v4.1: 59 of 1,613,850 alleles (0.0037%); highest among the groups gnomAD compares: Admixed American, 0.082%; no homozygotes.

Submissions (3):

PreventionGenetics, part of Exact Sciences
Classification: Uncertain significance for CYP7B1-related condition. Last evaluated: 2025-06-17. Review status: criteria provided, single submitter. Criteria: ACMG Guidelines, 2015. Collection method: clinical testing. Allele origin: germline.
Comment: The CYP7B1 c.1371G>A variant is predicted to result in the amino acid substitution p.Met457Ile. To our knowledge, this variant has not been reported in the literature. This variant is reported in 0.051% of alleles in individuals of Latino descent in gnomAD. Although we suspect that this variant may be benign, at this time, the clinical significance of this variant is uncertain due to the absence of conclusive functional and genetic evidence.

Labcorp Genetics (formerly Invitae), Labcorp
Classification: Uncertain significance for Spastic paraplegia. Last evaluated: 2022-05-27. Review status: criteria provided, single submitter. Criteria: Invitae Variant Classification Sherloc (09022015). Collection method: clinical testing. Allele origin: germline.
Comment: This sequence change replaces methionine, which is neutral and non-polar, with isoleucine, which is neutral and non-polar, at codon 457 of the CYP7B1 protein (p.Met457Ile). This variant is present in population databases (rs771055759, gnomAD 0.05%). This variant has not been reported in the literature in individuals affected with CYP7B1-related conditions. Algorithms developed to predict the effect of missense changes on protein structure and function output the following: SIFT: "Tolerated"; PolyPhen-2: "Benign"; Align-GVGD: "Class C0". The isoleucine amino acid residue is found in multiple mammalian species, which suggests that this missense change does not adversely affect protein function. Algorithms developed to predict the effect of sequence changes on RNA splicing suggest that this variant may create or strengthen a splice site. In summary, the available evidence is currently insufficient to determine the role of this variant in disease. Therefore, it has been classified as a Variant of Uncertain Significance.

Breakthrough Genomics
Classification: Uncertain significance. Review status: criteria provided, single submitter. Criteria: ACMG Guidelines, 2015. Collection method: not provided. Allele origin: germline. Inheritance: Autosomal recessive inheritance. Affected: yes.